The following is an entry in ClinVar:

ClinVar aggregate classification (germline): Conflicting classifications of pathogenicity. Review status: criteria provided, conflicting classifications (1 of 4 stars). 4 submissions from 4 submitters: Likely pathogenic (1); Uncertain significance (1). 2 of the submissions do not count toward it. Last evaluated 2022-09-26.

Conditions:
Hyperammonemic encephalopathy due to carbonic anhydrase VA deficiency. Also called: Carbonic anhydrase VA deficiency, hyperammonemia due to; Carbonic Anhydrase VA Deficiency. Identifiers: Orphanet 401948, MedGen C4706871, MONDO:0014332, OMIM 615751.

Allele frequency attached by ClinVar (database versions not stated): TOPMed 0.00002; gnomAD 0.00001; gnomAD exomes 0.00004 and 0.00001.
gnomAD v4.1: 51 of 1,574,768 alleles (0.0032%); highest among the groups gnomAD compares: Non-Finnish European, 0.004%; no homozygotes.

Submissions (4):

Labcorp Genetics (formerly Invitae), Labcorp
Classification: Uncertain significance for Hyperammonemic encephalopathy due to carbonic anhydrase VA deficiency. Last evaluated: 2022-09-26. Review status: criteria provided, single submitter. Criteria: Invitae Variant Classification Sherloc (09022015). Collection method: clinical testing. Allele origin: germline.
Comment: This sequence change replaces serine, which is neutral and polar, with proline, which is neutral and non-polar, at codon 233 of the CA5A protein (p.Ser233Pro). This variant is present in population databases (rs587777316, gnomAD 0.005%). This missense change has been observed in individual(s) with carbonic anhydrase VA deficiency (PMID: 24530203). It has also been observed to segregate with disease in related individuals. ClinVar contains an entry for this variant (Variation ID: 127087). Advanced modeling of protein sequence and biophysical properties (such as structural, functional, and spatial information, amino acid conservation, physicochemical variation, residue mobility, and thermodynamic stability) performed at Invitae indicates that this missense variant is expected to disrupt CA5A protein function. Experimental studies have shown that this missense change affects CA5A function (PMID: 24530203, 26913920). In summary, the available evidence is currently insufficient to determine the role of this variant in disease. Therefore, it has been classified as a Variant of Uncertain Significance.

GeneDx
Classification: Likely pathogenic. Last evaluated: 2022-08-11. Review status: criteria provided, single submitter. Criteria: GeneDx Variant Classification Process June 2021. Collection method: clinical testing. Allele origin: germline. Affected: yes.
Comment: Published functional studies demonstrate a damaging effect of p.(S233P) on enzymatic activity of carbonic anhydrase VA (van Karnebeek et al., 2014); Not observed at significant frequency in large population cohorts (gnomAD); In silico analysis supports that this missense variant has a deleterious effect on protein structure/function; This variant is associated with the following publications: (PMID: 26913920, 24530203)

OMIM
Classification: Pathogenic for CARBONIC ANHYDRASE VA DEFICIENCY, HYPERAMMONEMIA DUE TO. Last evaluated: 2014-03-06. Review status: no assertion criteria provided. Collection method: literature only. Allele origin: germline. Not counted in ClinVar's aggregate classification.

GeneReviews
No classification provided. Condition: Hyperammonemic encephalopathy due to carbonic anhydrase VA deficiency. Review status: no classification provided. Collection method: literature only. Allele origin: germline. Affected: yes. Not counted in ClinVar's aggregate classification.

Literature cited by the submitters: PubMed 24530203 (cited by 3 submitters); PubMed 26913920 (cited by Labcorp Genetics (formerly Invitae), Labcorp); NCBI Bookshelf NBK284774 (cited by GeneReviews).

NM_001739.2(CA5A):c.697T>C (p.Ser233Pro)

Gene: CA5A (carbonic anhydrase 5A; minus strand). Cytogenetic location: 16q24.2.
Variant type: single nucleotide variant.
Coding change: c.697T>C on transcript NM_001739.2 (MANE Select); coding-DNA position 697, T replaced by C.
Protein change: p.Ser233Pro; replaces serine 233 with proline.
Molecular consequence: missense variant. On other transcripts: non-coding transcript variant (2).
Genome position (GRCh38, 1-based): chr16:87,891,876, A>G on the plus strand (T>C on the coding strand, the complement: CA5A is on the minus strand). VCF-style: chr16-87891876-A-G. GRCh37 (hg19) VCF-style: chr16-87925482-A-G.
Other names: c.697T>C, p.Ser233Pro (NM_001367225.1); short protein forms S233P.
Identifiers: ClinVar variation 127087 (VCV000127087.6), dbSNP rs587777316, ClinGen allele CA345528.